The following is an entry in ClinVar:

ClinVar aggregate classification (germline): Uncertain significance (1 of 4 stars; one submission).

Conditions:
Generalized epilepsy-paroxysmal dyskinesia syndrome (PNKD3). Also called: Generalized epilepsy and paroxysmal dyskinesia; Paroxysmal nonkinesigenic dyskinesia, 3, with or without generalized epilepsy. Identifiers: Orphanet 79137, MedGen C5574945, MONDO:0012276, OMIM 609446.

Submission:

Labcorp Genetics (formerly Invitae), Labcorp
Classification: Uncertain significance for Generalized epilepsy-paroxysmal dyskinesia syndrome. Last evaluated: 2021-11-23. Review status: criteria provided, single submitter. Criteria: Invitae Variant Classification Sherloc (09022015). Collection method: clinical testing. Allele origin: germline.
Comment: This variant, c.129_137dup, results in the insertion of 3 amino acid(s) of the KCNMA1 protein (p.Ser58_Ser60dup), but otherwise preserves the integrity of the reading frame. The frequency data for this variant in the population databases is considered unreliable, as metrics indicate poor data quality at this position in the gnomAD database. In summary, the available evidence is currently insufficient to determine the role of this variant in disease. Therefore, it has been classified as a Variant of Uncertain Significance. Experimental studies and prediction algorithms are not available or were not evaluated, and the functional significance of this variant is currently unknown. ClinVar contains an entry for this variant (Variation ID: 935781). This variant has not been reported in the literature in individuals affected with KCNMA1-related conditions.

NM_001161352.2(KCNMA1):c.117CTC[10] (p.Ser58_Ser60dup)

Gene: KCNMA1 (potassium calcium-activated channel subfamily M alpha 1; minus strand). Cytogenetic location: 10q22.3.
Variant type: Microsatellite.
Coding change: c.117CTC[10] on transcript NM_001161352.2 (MANE Select); ten copies in a row of the 3-base unit CTC starting at c.117; the reference has seven copies in a row; three copies, 9 bases duplicated.
Protein change: p.Ser58_Ser60dup.
Molecular consequence: inframe insertion.
Genome position (GRCh38, 1-based): chr10:77,637,506-77,637,514, GAGGAGGAG duplicated on the plus strand (CTCCTCCTC on the coding strand, the reverse complement: KCNMA1 is on the minus strand); duplicating any 9 consecutive bases within chr10:77,637,506-77,637,528 gives the same sequence; the position shown is the placement nearest the transcript's 3' end. VCF-style (leftmost placement, unchanged base first): chr10-77637505-A-AGAGGAGGAG. GRCh37 (hg19) VCF-style: chr10-79397263-A-AGAGGAGGAG.
Other names: c.117CTC[10], p.Ser58_Ser60dup (NM_001014797.3, NM_001161353.2, NM_001271518.2 and 12 more transcripts).
Identifiers: ClinVar variation 935781 (VCV000935781.8), dbSNP rs572827902, ClinGen allele CA470654591.